The following is an entry in ClinVar:

ClinVar aggregate classification (germline): Conflicting classifications of pathogenicity. Review status: criteria provided, conflicting classifications (1 of 4 stars). 7 submissions from 7 submitters: Uncertain significance (3); Likely benign (2). 2 of the submissions do not count toward it. Last evaluated 2025-12-28.

Conditions:
Breast and/or ovarian cancer. Identifiers: MedGen CN221562.
Hereditary cancer-predisposing syndrome. Also called: Hereditary Cancer Syndrome; Hereditary neoplastic syndrome; Neoplastic Syndromes, Hereditary; Tumor predisposition. Identifiers: Orphanet 140162, MedGen C0027672, MeSH D009386, MONDO:0015356.
Breast-ovarian cancer, familial, susceptibility to, 1 (BROVCA1). Also called: BRCA1 Hereditary Breast and Ovarian Cancer; OVARIAN CANCER, SUSCEPTIBILITY TO. Identifiers: Orphanet 145, MedGen C2676676, MONDO:0011450, OMIM 604370. Disease mechanism: loss of function.
Hereditary breast ovarian cancer syndrome. Also called: BRCA1- and BRCA2-Associated Hereditary Breast and Ovarian Cancer; Hereditary breast and ovarian cancer syndrome; Hereditary breast and ovarian cancer syndrome (HBOC); Breast and ovarian cancer; Hereditary breast and/or ovarian cancer syndrome; Hereditary breast and ovarian cancer. Identifiers: Orphanet 145, MedGen C0677776, MeSH D061325, MONDO:0003582. Disease mechanism: loss of function.

Allele frequency attached by ClinVar (database versions not stated): gnomAD 0.00006 and 0.00001.
gnomAD v4.1: 2 of 1,613,980 alleles (0.00012%); highest among the groups gnomAD compares: Non-Finnish European, 0.00017%; no homozygotes.

Submissions (7):

Labcorp Genetics (formerly Invitae), Labcorp
Classification: Uncertain significance for Hereditary breast ovarian cancer syndrome. Last evaluated: 2025-12-28. Review status: criteria provided, single submitter. Criteria: Invitae Variant Classification Sherloc (09022015). Collection method: clinical testing. Allele origin: germline.
Comment: This sequence change replaces glutamic acid, which is acidic and polar, with glycine, which is neutral and non-polar, at codon 1172 of the BRCA1 protein (p.Glu1172Gly). The frequency data for this variant in the population databases is considered unreliable, as metrics indicate poor data quality at this position in the gnomAD database. This missense change has been observed in individual(s) with clinical features of BRCA1-related conditions (PMID: 10923033). ClinVar contains an entry for this variant (Variation ID: 54907). Invitae Evidence Modeling of protein sequence and biophysical properties (such as structural, functional, and spatial information, amino acid conservation, physicochemical variation, residue mobility, and thermodynamic stability) indicates that this missense variant is expected to disrupt BRCA1 protein function with a positive predictive value of 80%. In summary, the available evidence is currently insufficient to determine the role of this variant in disease. Therefore, it has been classified as a Variant of Uncertain Significance.

Ambry Genetics
Classification: Uncertain significance for Hereditary cancer-predisposing syndrome. Last evaluated: 2024-10-06. Review status: criteria provided, single submitter. Criteria: Ambry Variant Classification Scheme 2023. Collection method: clinical testing. Allele origin: germline.
Comment: The p.E1172G variant (also known as c.3515A>G) is located in coding exon 9 of the BRCA1 gene. This alteration results from an A to G substitution at nucleotide position 3515. The glutamic acid at codon 1172 is replaced by glycine, an amino acid with similar properties. Two studies have predicted this alteration to be pathogenic using methods based on protein sequence conservation (Pavlicek A et al. Hum Mol Genet. 2004 Nov 15;13(22):2737-51; Burk-Herrick A et al. Mamm Genome. 2006 Mar;17(3):257-70). This amino acid position is well conserved in available vertebrate species. In addition, this alteration is predicted to be deleterious by in silico analysis. Since supporting evidence is limited at this time, the clinical significance of this alteration remains unclear.

Quest Diagnostics Nichols Institute San Juan Capistrano
Classification: Uncertain significance. Last evaluated: 2024-04-16. Review status: criteria provided, single submitter. Criteria: Quest Diagnostics criteria. Collection method: clinical testing. Allele origin: unknown.
Comment: The BRCA1 c.3515A>G (p.Glu1172Gly) variant has been reported in the published literature to be located in a region of the BRCA1 gene that is tolerant to missense sequence changes (PMID: 31911673 (2020)). To the best of our knowledge, this variant has not been reported in individuals with BRCA1-related disorders. The ancestral sequence method in the literature based on the mammalian protein alignment has predicted that this variant is deleterious (PMIDs: 16518693 (2006) and 15385441 (2004)). The frequency of this variant in the general population, 0.00013 (2/15428 chromosomes (Genome Aggregation Database)), is uninformative in the assessment of its pathogenicity. Analysis of this variant using bioinformatics tools for the prediction of the effect of amino acid changes on protein structure and function yielded conflicting predictions that this variant is benign or damaging. Based on the available information, we are unable to determine the clinical significance of this variant.

Myriad Genetics, Inc.
Classification: Likely benign for Breast-ovarian cancer, familial, susceptibility to, 1. Last evaluated: 2023-11-06. Review status: criteria provided, single submitter. Criteria: Myriad Autosomal Dominant, Autosomal Recessive and X-Linked Classification Criteria (2023). Collection method: clinical testing. Allele origin: unknown.
Comment: This variant is considered likely benign. This variant is strongly associated with less severe personal and family histories of cancer, typical for individuals without pathogenic variants in this gene [PMID: 25085752].

University of Washington Department of Laboratory Medicine, University of Washington
Classification: Likely benign for Hereditary cancer-predisposing syndrome. Last evaluated: 2023-03-23. Review status: criteria provided, single submitter. Criteria: Dines et al. (Genet Med. 2020). Collection method: curation. Allele origin: germline.
Comment: Missense variant in a coldspot region where missense variants are very unlikely to be pathogenic (PMID:31911673).

BRCA1 coldspot (exon 11 using historical exon numbering). Reclassification based on statistical prior probability

Foulkes Cancer Genetics LDI, Lady Davis Institute for Medical Research
Classification: Uncertain significance for Breast and/or ovarian cancer. Last evaluated: 2000-01-25. Review status: no assertion criteria provided. Collection method: clinical testing. Allele origin: germline. Study: The Canadian Open Genetics Repository (COGR). Not counted in ClinVar's aggregate classification.

Breast Cancer Information Core (BIC) (BRCA1)
Classification: Uncertain significance for Breast-ovarian cancer, familial 1. Review status: no assertion criteria provided. Collection method: clinical testing. Allele origin: germline. Affected: yes. Observed: 1 variant allele. Not counted in ClinVar's aggregate classification.

Literature cited by the submitters: PubMed 10923033 (cited by Labcorp Genetics (formerly Invitae), Labcorp); PubMed 31911673 (cited by Quest Diagnostics Nichols Institute San Juan Capistrano); PubMed 16518693 (cited by Quest Diagnostics Nichols Institute San Juan Capistrano); PubMed 15385441 (cited by Quest Diagnostics Nichols Institute San Juan Capistrano); PubMed 25085752 (cited by Myriad Genetics, Inc.).

NM_007294.4(BRCA1):c.3515A>G (p.Glu1172Gly)

Genes: BRCA1 (BRCA1 DNA repair associated; minus strand), LOC126862571 (BRD4-independent group 4 enhancer GRCh37_chr17:41243136-41244335; plus strand). Cytogenetic location: 17q21.31.
Variant type: single nucleotide variant.
Coding change: c.3515A>G on transcript NM_007294.4 (MANE Select); coding-DNA position 3515, A replaced by G.
Protein change: p.Glu1172Gly; replaces glutamic acid 1172 with glycine.
Molecular consequence: missense variant. On other transcripts: intron variant (135).
Genome position (GRCh38, 1-based): chr17:43,092,016, T>C on the plus strand (A>G on the coding strand, the complement: BRCA1 is on the minus strand). VCF-style: chr17-43092016-T-C. GRCh37 (hg19) VCF-style: chr17-41244033-T-C.
Other names: c.3302A>G, p.Glu1101Gly (NM_001407571.1, NM_001407853.1, NM_001407894.1 and 9 more transcripts); c.3515A>G, p.Glu1172Gly (NM_001407581.1, NM_001407582.1, NM_001407583.1 and 30 more transcripts); c.3512A>G, p.Glu1171Gly (NM_001407587.1, NM_001407590.1, NM_001407591.1 and 22 more transcripts); c.3506A>G, p.Glu1169Gly (NM_001407646.1, NM_001407647.1); c.3392A>G, p.Glu1131Gly (NM_001407648.1, NM_001407664.1, NM_001407665.1 and 19 more transcripts); c.3389A>G, p.Glu1130Gly (NM_001407649.1, NM_001407670.1, NM_001407671.1 and 11 more transcripts); c.3437A>G, p.Glu1146Gly (NM_001407653.1, NM_001407654.1, NM_001407655.1 and 4 more transcripts); c.3434A>G, p.Glu1145Gly (NM_001407659.1, NM_001407660.1, NM_001407661.1 and 1 more transcripts); and 41 more; short protein forms E1172G, E1125G, E1044G, E1101G, E1105G, E1131G, E1171G, E1061G.
Identifiers: ClinVar variation 54907 (VCV000054907.23), dbSNP rs80357206, ClinGen allele CA002258.
Genomic context (GRCh38, chr17:43,092,016, plus strand): 5'-GGGCTAGGACTCCTGCTAAGCTCTCCTTTCTGGACGCTTTTGCTAAAAACAGCAGAACTT[T>C]CCTTAATGTCATTTTCAGCAAAACTAGTATCTTCCTTTATTTCACCATCATCTAACAGGT-3'
Protein context (NP_009225.1, residues 1162-1182): DTSFAENDIK[Glu1172Gly]SSAVFSKSVQ